The following is an entry in ClinVar:

ClinVar aggregate classification (germline): Uncertain significance (1 of 4 stars; one submission).

Conditions:
Dilated cardiomyopathy 1O (CMD1O). Also called: CARDIOMYOPATHY, DILATED, WITH VENTRICULAR TACHYCARDIA. Identifiers: Orphanet 154, MedGen C1837839, MONDO:0012062, OMIM 608569.

gnomAD v4.1: 1 of 1,613,502 alleles (0.000062%); highest among the groups gnomAD compares: South Asian, 0.0011%; no homozygotes.

Submission:

Labcorp Genetics (formerly Invitae), Labcorp
Classification: Uncertain significance for Dilated cardiomyopathy 1O. Last evaluated: 2024-10-08. Review status: criteria provided, single submitter. Criteria: Invitae Variant Classification Sherloc (09022015). Collection method: clinical testing. Allele origin: germline.
Comment: This sequence change replaces threonine, which is neutral and polar, with alanine, which is neutral and non-polar, at codon 931 of the ABCC9 protein (p.Thr931Ala). This variant is present in population databases (no rsID available, gnomAD 0.003%). This variant has not been reported in the literature in individuals affected with ABCC9-related conditions. ClinVar contains an entry for this variant (Variation ID: 2110712). Invitae Evidence Modeling of protein sequence and biophysical properties (such as structural, functional, and spatial information, amino acid conservation, physicochemical variation, residue mobility, and thermodynamic stability) indicates that this missense variant is not expected to disrupt ABCC9 protein function with a negative predictive value of 95%. In summary, the available evidence is currently insufficient to determine the role of this variant in disease. Therefore, it has been classified as a Variant of Uncertain Significance.

NM_020297.4(ABCC9):c.2791A>G (p.Thr931Ala)

Gene: ABCC9 (ATP binding cassette subfamily C member 9; minus strand). Cytogenetic location: 12p12.1.
Variant type: single nucleotide variant.
Coding change: c.2791A>G on transcript NM_020297.4 (MANE Select); coding-DNA position 2791, A replaced by G.
Protein change: p.Thr931Ala; replaces threonine 931 with alanine.
Molecular consequence: missense variant.
Genome position (GRCh38, 1-based): chr12:21,848,225, T>C on the plus strand (A>G on the coding strand, the complement: ABCC9 is on the minus strand). VCF-style: chr12-21848225-T-C. GRCh37 (hg19) VCF-style: chr12-22001159-T-C.
Other names: c.2791A>G, p.Thr931Ala (NM_001377273.1, NM_005691.4); c.1924A>G, p.Thr642Ala (NM_001377274.1); short protein forms T642A, T931A.
Identifiers: ClinVar variation 2110712 (VCV002110712.4), dbSNP rs1301749304, ClinGen allele CA384122347.
Genomic context (GRCh38, chr12:21,848,225, plus strand): 5'-CCATCTGGGCTTTGGCTTCTCTTGAATACATGGCCCGTCGGAGAGTTTTCCTCTCTAAAG[T>C]AGTTTGGTCAGCTTCCATATCCTGCAGTAAACATTGTACTATCATGCAAGGAGCTAACAC-3'
Protein context (NP_064693.2, residues 921-941): LEKDMEADQT[Thr931Ala]LERKTLRRAM